The following is an entry in ClinVar:

ClinVar aggregate classification (germline): Conflicting classifications of pathogenicity. Review status: criteria provided, conflicting classifications (1 of 4 stars). 3 submissions from 3 submitters: Uncertain significance (1); Likely benign (2). Last evaluated 2025-02-18.

Conditions:
ABCC6-related disorder. Also called: ABCC6-related condition.
Autosomal recessive inherited pseudoxanthoma elasticum (PXE). Identifiers: Orphanet 758, MedGen CN032334, MONDO:0009925, OMIM 264800.
Pseudoxanthoma elasticum, forme fruste. Also called: PSEUDOXANTHOMA ELASTICUM, HETEROZYGOUS; Pseudoxanthoma Elasticum, Incomplete. Identifiers: Orphanet 758, MedGen C1867450, MONDO:0008333, OMIM 177850.
Arterial calcification, generalized, of infancy, 2. Identifiers: Orphanet 51608, MedGen C3276161, MONDO:0013768, OMIM 614473.

Allele frequency attached by ClinVar (database versions not stated): ExAC 0.00002; gnomAD 0.00002; TOPMed 0.00002.
gnomAD v4.1: 30 of 1,613,724 alleles (0.0019%); highest among the groups gnomAD compares: African/African-American, 0.0093%; no homozygotes.

Submissions (3):

PreventionGenetics, part of Exact Sciences
Classification: Likely benign for ABCC6-related condition. Last evaluated: 2025-02-18. Review status: criteria provided, single submitter. Criteria: ACMG Guidelines, 2015. Collection method: clinical testing. Allele origin: germline.
Comment: This variant is classified as likely benign based on ACMG/AMP sequence variant interpretation guidelines (Richards et al. 2015 PMID: 25741868, with internal and published modifications).

Labcorp Genetics (formerly Invitae), Labcorp
Classification: Likely benign. Last evaluated: 2024-12-02. Review status: criteria provided, single submitter. Criteria: Invitae Variant Classification Sherloc (09022015). Collection method: clinical testing. Allele origin: germline.

Fulgent Genetics
Classification: Uncertain significance for Pseudoxanthoma elasticum, forme fruste; Autosomal recessive inherited pseudoxanthoma elasticum; Arterial calcification, generalized, of infancy, 2. Last evaluated: 2024-03-26. Review status: criteria provided, single submitter. Criteria: ACMG Guidelines, 2015. Collection method: clinical testing. Allele origin: germline.

NM_001171.6(ABCC6):c.3786C>T (p.Gly1262=)

Gene: ABCC6 (ATP binding cassette subfamily C member 6; minus strand). Cytogenetic location: 16p13.11.
Variant type: single nucleotide variant.
Coding change: c.3786C>T on transcript NM_001171.6 (MANE Select); coding-DNA position 3786, C replaced by T.
Protein change: p.Gly1262=; no amino-acid change (glycine 1262 retained).
Molecular consequence: synonymous variant. On other transcripts: non-coding transcript variant (1).
Genome position (GRCh38, 1-based): chr16:16,157,759, G>A on the plus strand (C>T on the coding strand, the complement: ABCC6 is on the minus strand). VCF-style: chr16-16157759-G-A. GRCh37 (hg19) VCF-style: chr16-16251616-G-A.
Other names: c.3444C>T, p.Gly1148= (NM_001351800.1); c.3786C>T (NM_001171.5).
Identifiers: ClinVar variation 2162527 (VCV002162527.6), dbSNP rs546064934, ClinGen allele CA7925418.